The following is an entry in ClinVar:

NM_000090.4(COL3A1):c.4352G>A (p.Gly1451Asp)

Gene: COL3A1 (collagen type III alpha 1 chain; plus strand). Cytogenetic location: 2q32.2.
Variant type: single nucleotide variant.
Coding change: c.4352G>A on transcript NM_000090.4 (MANE Select); coding-DNA position 4352, G replaced by A.
Protein change: p.Gly1451Asp; replaces glycine 1451 with aspartic acid.
Molecular consequence: missense variant.
Genome position (GRCh38, 1-based): chr2:189,011,725, G>A. VCF-style: chr2-189011725-G-A. GRCh37 (hg19) VCF-style: chr2-189876451-G-A.
Other names: short protein forms G1451D.
Identifiers: ClinVar variation 3061691 (VCV003061691.2), dbSNP rs1465829694, ClinGen allele CA349850403.
Genomic context (GRCh38, chr2:189,011,725, plus strand): 5'-ATCGAACACGCAAGGCTGTGAGACTACCTATTGTAGATATTGCACCCTATGACATTGGTG[G>A]TCCTGATCAAGAATTTGGTGTGGACGTTGGCCCTGTTTGCTTTTTATAAACCAAACTCTA-3'
Protein context (NP_000081.2, residues 1441-1461): IVDIAPYDIG[Gly1451Asp]PDQEFGVDVG

ClinVar aggregate classification (germline): Uncertain significance (0 of 4 stars; one submission).

Conditions:
COL3A1-related disorder. Also called: COL3A1-related condition.

Submission:

PreventionGenetics, part of Exact Sciences
Classification: Uncertain significance for COL3A1-related condition. Last evaluated: 2023-10-20. Review status: no assertion criteria provided. Collection method: clinical testing. Allele origin: germline.
Comment: The COL3A1 c.4352G>A variant is predicted to result in the amino acid substitution p.Gly1451Asp. To our knowledge, this variant has not been reported in the literature or in a large population database, indicating this variant is rare. At this time, the clinical significance of this variant is uncertain due to the absence of conclusive functional and genetic evidence.